The following is an entry in ClinVar:

ClinVar aggregate classification (germline): Likely benign. Review status: criteria provided, single submitter (1 of 4 stars). 2 submissions from 2 submitters: Likely benign (1). 1 of the submissions does not count toward it. Last evaluated 2025-01-20.

Conditions:
KANK1-related disorder. Also called: KANK1-related condition.

Submissions (2):

Labcorp Genetics (formerly Invitae), Labcorp
Classification: Likely benign. Last evaluated: 2025-01-20. Review status: criteria provided, single submitter. Criteria: Invitae Variant Classification Sherloc (09022015). Collection method: clinical testing. Allele origin: germline.

PreventionGenetics, part of Exact Sciences
Classification: Likely benign for KANK1-related condition. Last evaluated: 2022-03-21. Review status: no assertion criteria provided. Collection method: clinical testing. Allele origin: germline. Not counted in ClinVar's aggregate classification.
Comment: This variant is classified as likely benign based on ACMG/AMP sequence variant interpretation guidelines (Richards et al. 2015 PMID: 25741868, with internal and published modifications).

NM_015158.5(KANK1):c.3105GGA[4] (p.Glu1039del)

Gene: KANK1 (KN motif and ankyrin repeat domains 1; plus strand). Cytogenetic location: 9p24.3.
Variant type: Microsatellite.
Coding change: c.3105GGA[4] on transcript NM_015158.5 (MANE Select); four copies in a row of the 3-base unit GGA starting at c.3105; the reference has five copies in a row; one copy, 3 bases deleted.
Protein change: p.Glu1039del; deletes glutamic acid 1039.
Molecular consequence: inframe deletion. On other transcripts: intron variant (5).
Genome position (GRCh38, 1-based): chr9:732,489-732,491, GGA deleted; deleting any 3 consecutive bases within chr9:732,475-732,491 gives the same sequence; the position shown is the placement nearest the transcript's 3' end. VCF-style (leftmost placement, unchanged base first): chr9-732474-AGAG-A. GRCh37 (hg19) VCF-style: chr9-732474-AGAG-A.
Other names: c.3117_3119delGGA (NM_015158.3); c.3105GGA[4], p.Glu1039del (NM_001256876.3, NM_001256877.3, NM_001354334.2); c.3051GGA[4], p.Glu1021del (NM_001354332.2); c.2631GGA[4], p.Glu881del (NM_001354333.2, NM_001354335.2, NM_001354337.2 and 2 more transcripts); c.2577GGA[4], p.Glu863del (NM_001354338.2, NM_001354340.2, NM_001354344.2); c.3005+1209GAG[4] (NM_001354331.2); c.2477+1209GAG[4] (NM_001354336.2); c.2531+1209GAG[4] (NM_001354339.2, NM_001354343.2, NM_001354342.2); short protein forms E1021del, E1039del, E863del, E881del.
Identifiers: ClinVar variation 1666029 (VCV001666029.10), dbSNP rs113586916, ClinGen allele CA4960773.